The following is an entry in ClinVar:

NM_001927.4(DES):c.1034del (p.Leu345fs)

Gene: DES (desmin; plus strand). Cytogenetic location: 2q35.
Variant type: Deletion.
Coding change: c.1034del on transcript NM_001927.4 (MANE Select); coding-DNA position 1034, one base deleted (T; older notation c.1034delT).
Protein change: p.Leu345fs; shifts the reading frame from leucine 345.
Molecular consequence: frameshift variant. On other transcripts: intron variant (3).
Genome position (GRCh38, 1-based): chr2:219,421,350, T deleted. VCF-style (leftmost placement, unchanged base first): chr2-219421349-CT-C. GRCh37 (hg19) VCF-style: chr2-220286071-CT-C.
Other names: c.1031del, p.Leu344fs (NM_001382708.1); c.1034del, p.Leu345fs (NM_001382712.1); c.764del, p.Leu255fs (NM_001382713.1); c.1024-11del (NM_001382711.1); c.1024-59del (NM_001382710.1); c.736-134del (NM_001382709.1); c.1034delT (NM_001927.4); short protein forms L255fs, L344fs, L345fs.
Identifiers: ClinVar variation 3896833 (VCV003896833.1).

ClinVar aggregate classification (germline): Likely pathogenic (1 of 4 stars; one submission).

Conditions:
Desmin-related myofibrillar myopathy (MFM1). Also called: MYOFIBRILLAR MYOPATHY WITH ARRHYTHMOGENIC RIGHT VENTRICULAR CARDIOMYOPATHY; DESMIN-RELATED MYOPATHY WITH ARRHYTHMOGENIC RIGHT VENTRICULAR CARDIOMYOPATHY; Desmin related myopathy (former name); Desmin storage myopathy (former name); Myofibrillar myopathy 1; Desminopathy. Identifiers: Orphanet 363543, Orphanet 98909, MedGen C1832370, MONDO:0011076, OMIM 601419.

Submission:

Kariminejad - Najmabadi Pathology & Genetics Center
Classification: Likely pathogenic for Desmin-related myofibrillar myopathy. Last evaluated: 2022-10-11. Review status: criteria provided, single submitter. Criteria: ACMG Guidelines, 2015. Collection method: clinical testing. Allele origin: germline. Inheritance: Autosomal recessive inheritance. Affected: yes.
Comment: PVS1, PM2